The following is an entry in ClinVar:

ClinVar aggregate classification (germline): Pathogenic/Likely pathogenic. Review status: criteria provided, multiple submitters, no conflicts (2 of 4 stars). 5 submissions from 5 submitters: Pathogenic (3); Likely pathogenic (1). 1 of the submissions does not count toward it. Last evaluated 2025-06-19.

Conditions:
Thrombocytopenia 2 (THC2). Also called: ANKRD26-Related Thrombocytopenia. Identifiers: Orphanet 268322, MedGen C1861185, MONDO:0008555, OMIM 188000.
ANKRD26-related disorder. Also called: ANKRD26-related condition.
Thrombocytopenia. Identifiers: MedGen C0040034, MeSH D013921, MONDO:0002049, HP:0001873.

Submissions (5):

Women's Health and Genetics/Laboratory Corporation of America, LabCorp
Classification: Pathogenic for Thrombocytopenia 2. Last evaluated: 2025-06-19. Review status: criteria provided, single submitter. Criteria: LabCorp Variant Classification Summary - May 2015. Collection method: clinical testing. Allele origin: germline.
Comment: Variant summary: ANKRD26 c.-128G>T is located in the untranslated mRNA region upstream of the initiation codon. The variant was absent in 31382 control chromosomes (gnomAD). c.-128G>T has been observed in multiple individuals affected with Thrombocytopenia 2 (e.g., Averina_2017, Tan_2020). These data indicate that the variant is very likely to be associated with disease. The following publications have been ascertained in the context of this evaluation (PMID: 28109976, 32351539). ClinVar contains an entry for this variant (Variation ID: 812728). Based on the evidence outlined above, the variant was classified as pathogenic.

Labcorp Genetics (formerly Invitae), Labcorp
Classification: Pathogenic. Last evaluated: 2025-01-29. Review status: criteria provided, single submitter. Criteria: Invitae Variant Classification Sherloc (09022015). Collection method: clinical testing. Allele origin: germline.
Comment: This variant occurs in a non-coding region of the ANKRD26 gene. It does not change the encoded amino acid sequence of the ANKRD26 protein. This variant is not present in population databases (gnomAD no frequency). This variant has been observed in individual(s) with thrombocytopenia (PMID: 28109976, 32351539). It has also been observed to segregate with disease in related individuals. ClinVar contains an entry for this variant (Variation ID: 812728). For these reasons, this variant has been classified as Pathogenic.

Mayo Clinic Laboratories, Mayo Clinic
Classification: Likely pathogenic. Last evaluated: 2023-10-06. Review status: criteria provided, single submitter. Criteria: ACMG Guidelines, 2015. Collection method: clinical testing. Allele origin: germline. Observed: 1 variant allele.
Comment: PP1_strong, PM2_moderate, PS4_moderate

Blueprint Genetics
Classification: Pathogenic for ANKRD26-related disorders. Last evaluated: 2022-01-27. Review status: criteria provided, single submitter. Criteria: ACMG Guidelines, 2015. Collection method: clinical testing. Allele origin: germline. Affected: yes. Observed: 5 variant alleles.

NIHR Bioresource Rare Diseases, University of Cambridge
Classification: Likely pathogenic for Thrombocytopenia. Review status: no assertion criteria provided. Collection method: research. Allele origin: unknown. Affected: yes. Observed: 1 variant allele. Not counted in ClinVar's aggregate classification.

Literature cited by the submitters: PubMed 28109976 (cited by 3 submitters); PubMed 32351539 (cited by 3 submitters); PubMed 32581362 (cited by NIHR Bioresource Rare Diseases, University of Cambridge).

NM_014915.3(ANKRD26):c.-128G>T

Gene: ANKRD26 (ankyrin repeat domain 26; minus strand). Cytogenetic location: 10p12.1.
Variant type: single nucleotide variant.
Coding change: c.-128G>T on transcript NM_014915.3 (MANE Select); 128 bases upstream of the start codon, G replaced by T.
Molecular consequence: 5 prime UTR variant.
Genome position (GRCh38, 1-based): chr10:27,100,454, C>A on the plus strand (G>T on the coding strand, the complement: ANKRD26 is on the minus strand). VCF-style: chr10-27100454-C-A. GRCh37 (hg19) VCF-style: chr10-27389383-C-A.
Other names: p.?; c.-128G>T (NM_001256053.2).
Identifiers: ClinVar variation 812728 (VCV000812728.9), dbSNP rs1589393809, ClinGen allele CA913185919.